The following is an entry in ClinVar:

NM_007294.4(BRCA1):c.3778_3779insA (p.Leu1260fs)

Genes: BRCA1 (BRCA1 DNA repair associated; minus strand), LOC126862571 (BRD4-independent group 4 enhancer GRCh37_chr17:41243136-41244335; plus strand). Cytogenetic location: 17q21.31.
Variant type: Insertion.
Coding change: c.3778_3779insA on transcript NM_007294.4 (MANE Select); coding-DNA positions 3778 to 3779, A inserted.
Protein change: p.Leu1260fs; shifts the reading frame from leucine 1260.
Molecular consequence: frameshift variant. On other transcripts: intron variant (135).
Genome position: GRCh38 VCF-style: chr17-43091752-A-AT. GRCh37 (hg19) VCF-style: chr17-41243769-A-AT.
Other names: 3897insA; c.3775_3776insA, p.Leu1259fs (NM_001407590.1, NM_001407591.1, NM_001407610.1 and 22 more transcripts); c.3778_3779insA, p.Leu1260fs (NM_001407593.1, NM_001407594.1, NM_001407596.1 and 30 more transcripts); c.3769_3770insA, p.Leu1257fs (NM_001407646.1, NM_001407647.1); c.3655_3656insA, p.Leu1219fs (NM_001407648.1, NM_001407664.1, NM_001407665.1 and 19 more transcripts); c.3652_3653insA, p.Leu1218fs (NM_001407649.1, NM_001407670.1, NM_001407671.1 and 11 more transcripts); c.3700_3701insA, p.Leu1234fs (NM_001407653.1, NM_001407654.1, NM_001407655.1 and 4 more transcripts); c.3697_3698insA, p.Leu1233fs (NM_001407659.1, NM_001407660.1, NM_001407661.1 and 1 more transcripts); and 42 more; short protein forms L1213fs, L1260fs, L1171fs, L1189fs, L1219fs, L392fs, L1092fs, L1133fs.
Identifiers: ClinVar variation 125653 (VCV000125653.3), dbSNP rs80357849, ClinGen allele CA002433.

ClinVar aggregate classification (germline): Pathogenic. Review status: reviewed by expert panel (3 of 4 stars). 2 submissions from 2 submitters: Pathogenic (1). 1 of the submissions does not count toward it. Last evaluated 2016-09-08.

Conditions:
Breast-ovarian cancer, familial, susceptibility to, 1 (BROVCA1). Also called: BRCA1 Hereditary Breast and Ovarian Cancer; OVARIAN CANCER, SUSCEPTIBILITY TO. Identifiers: Orphanet 145, MedGen C2676676, MONDO:0011450, OMIM 604370. Disease mechanism: loss of function.

Submissions (2):

Evidence-based Network for the Interpretation of Germline Mutant Alleles (ENIGMA)
Classification: Pathogenic for Breast-ovarian cancer, familial, susceptibility to, 1. Last evaluated: 2016-09-08. Review status: reviewed by expert panel. Criteria: ENIGMA BRCA1/2 Classification Criteria (2015). Collection method: curation. Allele origin: germline.
Comment: Variant allele predicted to encode a truncated non-functional protein.

Breast Cancer Information Core (BIC) (BRCA1)
Classification: Pathogenic for Breast-ovarian cancer, familial 1. Last evaluated: 2004-11-25. Review status: no assertion criteria provided. Collection method: clinical testing. Allele origin: germline. Affected: yes. Observed: 1 variant allele. Not counted in ClinVar's aggregate classification.